The following is an entry in ClinVar:

NM_018082.6(POLR3B):c.3394A>G (p.Asn1132Asp)

Genes: POLR3B (RNA polymerase III subunit B; plus strand), RFX4-AS1 (RFX4 antisense RNA 1; minus strand). Cytogenetic location: 12q23.3.
Variant type: single nucleotide variant.
Coding change: c.3394A>G on transcript NM_018082.6 (MANE Select); coding-DNA position 3394, A replaced by G.
Protein change: p.Asn1132Asp; replaces asparagine 1132 with aspartic acid.
Molecular consequence: missense variant.
Genome position (GRCh38, 1-based): chr12:106,509,541, A>G. VCF-style: chr12-106509541-A-G. GRCh37 (hg19) VCF-style: chr12-106903319-A-G.
Other names: c.3220A>G, p.Asn1074Asp (NM_001160708.2); short protein forms N1074D, N1132D.
Identifiers: ClinVar variation 3781785 (VCV003781785.3).

ClinVar aggregate classification (germline): Uncertain significance. Review status: criteria provided, multiple submitters, no conflicts (2 of 4 stars). 3 submissions from 3 submitters: Uncertain significance (3). Last evaluated 2026-02-10.

Conditions:
POLR3B-related disorder. Also called: POLR3B-related condition; POLR3B-related disorders. Identifiers: MedGen CN378588, MONDO:0700277.
Inborn genetic diseases. Identifiers: MedGen C0950123, MeSH D030342.

gnomAD v4.1: 6 of 1,612,518 alleles (0.00037%); highest among the groups gnomAD compares: Non-Finnish European, 0.00051%; no homozygotes.

Submissions (3):

PreventionGenetics, part of Exact Sciences
Classification: Uncertain significance for POLR3B-related condition. Last evaluated: 2026-02-10. Review status: criteria provided, single submitter. Criteria: ACMG Guidelines, 2015. Collection method: clinical testing. Allele origin: germline.
Comment: The POLR3B c.3394A>G variant is predicted to result in the amino acid substitution p.Asn1132Asp. To our knowledge, this variant has not been reported in the literature or in a large population database (gnomAD), indicating this variant is rare. At this time, the clinical significance of this variant is uncertain due to the absence of conclusive functional and genetic evidence.

Labcorp Genetics (formerly Invitae), Labcorp
Classification: Uncertain significance. Last evaluated: 2025-11-02. Review status: criteria provided, single submitter. Criteria: Invitae Variant Classification Sherloc (09022015). Collection method: clinical testing. Allele origin: germline.
Comment: This sequence change replaces asparagine, which is neutral and polar, with aspartic acid, which is acidic and polar, at codon 1132 of the POLR3B protein (p.Asn1132Asp). This variant is not present in population databases (gnomAD no frequency). This variant has not been reported in the literature in individuals affected with POLR3B-related conditions. ClinVar contains an entry for this variant (Variation ID: 3781785). An algorithm developed to predict the effect of missense changes on protein structure and function (PolyPhen-2) suggests that this variant is likely to be tolerated. In summary, the available evidence is currently insufficient to determine the role of this variant in disease. Therefore, it has been classified as a Variant of Uncertain Significance.

Ambry Genetics
Classification: Uncertain significance for Inborn genetic diseases. Last evaluated: 2025-01-01. Review status: criteria provided, single submitter. Criteria: Ambry Variant Classification Scheme 2023. Collection method: clinical testing. Allele origin: germline.